The following is an entry in ClinVar:

ClinVar aggregate classification (germline): Conflicting classifications of pathogenicity. Review status: criteria provided, conflicting classifications (1 of 4 stars). 5 submissions from 5 submitters: Uncertain significance (1); Benign (1); Likely benign (3). Last evaluated 2025-04-29.

Conditions:
Tuberous sclerosis 1 (TSC1). Identifiers: Orphanet 805, MedGen C1854465, MONDO:0008612, OMIM 191100.
Hereditary cancer-predisposing syndrome. Also called: Neoplastic Syndromes, Hereditary; Hereditary neoplastic syndrome; Tumor predisposition; Hereditary Cancer Syndrome. Identifiers: Orphanet 140162, MedGen C0027672, MeSH D009386, MONDO:0015356.

Allele frequency attached by ClinVar (database versions not stated): gnomAD exomes below 0.00001.
gnomAD v4.1: 2 of 1,614,036 alleles (0.00012%); highest among the groups gnomAD compares: Non-Finnish European, 0.00017%; no homozygotes.

Submissions (5):

Myriad Genetics, Inc.
Classification: Benign for Tuberous sclerosis 1. Last evaluated: 2025-04-29. Review status: criteria provided, single submitter. Criteria: Myriad Autosomal Dominant, Autosomal Recessive and X-Linked Classification Criteria (2023). Collection method: clinical testing. Allele origin: unknown.
Comment: This variant is considered benign. This variant is a silent/synonymous amino acid change and it is not expected to impact splicing.

Labcorp Genetics (formerly Invitae), Labcorp
Classification: Likely benign for Tuberous sclerosis 1. Last evaluated: 2024-11-24. Review status: criteria provided, single submitter. Criteria: Invitae Variant Classification Sherloc (09022015). Collection method: clinical testing. Allele origin: germline.

Quest Diagnostics Nichols Institute San Juan Capistrano
Classification: Uncertain significance. Last evaluated: 2023-11-07. Review status: criteria provided, single submitter. Criteria: Quest Diagnostics criteria. Collection method: clinical testing. Allele origin: unknown.

Genome-Nilou Lab
Classification: Likely benign for Tuberous sclerosis 1. Last evaluated: 2021-11-07. Review status: criteria provided, single submitter. Criteria: ACMG Guidelines, 2015. Collection method: clinical testing. Allele origin: germline. Affected: no.

Ambry Genetics
Classification: Likely benign for Hereditary cancer-predisposing syndrome. Last evaluated: 2018-05-25. Review status: criteria provided, single submitter. Criteria: Ambry Variant Classification Scheme 2023. Collection method: clinical testing. Allele origin: germline.

NM_000368.5(TSC1):c.2934T>C (p.Leu978=)

Gene: TSC1 (TSC complex subunit 1; minus strand). Cytogenetic location: 9q34.13.
Variant type: single nucleotide variant.
Coding change: c.2934T>C on transcript NM_000368.5 (MANE Select); coding-DNA position 2934, T replaced by C.
Protein change: p.Leu978=; no amino-acid change (leucine 978 retained).
Molecular consequence: synonymous variant.
Genome position (GRCh38, 1-based): chr9:132,897,225, A>G on the plus strand (T>C on the coding strand, the complement: TSC1 is on the minus strand). VCF-style: chr9-132897225-A-G. GRCh37 (hg19) VCF-style: chr9-135772612-A-G.
Other names: c.2931T>C, p.Leu977= (NM_001162426.2); c.2781T>C, p.Leu927= (NM_001162427.2); c.2571T>C, p.Leu857= (NM_001362177.2).
Identifiers: ClinVar variation 534497 (VCV000534497.20), dbSNP rs1554813253, ClinGen allele CA467594406.